The following is an entry in ClinVar:

ClinVar aggregate classification (germline): Conflicting classifications of pathogenicity. Review status: criteria provided, conflicting classifications (1 of 4 stars). 2 submissions from 2 submitters: Uncertain significance (1); Benign (1). Last evaluated 2025-02-23.

gnomAD v4.1: 43 of 1,614,090 alleles (0.0027%); highest among the groups gnomAD compares: African/African-American, 0.023%; no homozygotes.

Submissions (2):

Labcorp Genetics (formerly Invitae), Labcorp
Classification: Benign. Last evaluated: 2025-02-23. Review status: criteria provided, single submitter. Criteria: Invitae Variant Classification Sherloc (09022015). Collection method: clinical testing. Allele origin: germline.

Women's Health and Genetics/Laboratory Corporation of America, LabCorp
Classification: Uncertain significance. Last evaluated: 2024-08-06. Review status: criteria provided, single submitter. Criteria: LabCorp Variant Classification Summary - May 2015. Collection method: clinical testing. Allele origin: germline.
Comment: Variant summary: ABCA1 c.5516G>A (p.Arg1839His) results in a non-conservative amino acid change located in the ABC-2 type transporter, transmembrane domain (IPR013525) of the encoded protein sequence. Three of five in-silico tools predict a benign effect of the variant on protein function. The variant allele was found at a frequency of 2.4e-05 in 251140 control chromosomes. The available data on variant occurrences in the general population are insufficient to allow any conclusion about variant significance. To our knowledge, no occurrence of c.5516G>A in individuals affected with Tangier Disease and no experimental evidence demonstrating its impact on protein function have been reported. No submitters have cited clinical-significance assessments for this variant to ClinVar. Based on the evidence outlined above, the variant was classified as uncertain significance.

NM_005502.4(ABCA1):c.5516G>A (p.Arg1839His)

Gene: ABCA1 (ATP binding cassette subfamily A member 1; minus strand). Cytogenetic location: 9q31.1.
Variant type: single nucleotide variant.
Coding change: c.5516G>A on transcript NM_005502.4 (MANE Select); coding-DNA position 5516, G replaced by A.
Protein change: p.Arg1839His; replaces arginine 1839 with histidine.
Molecular consequence: missense variant.
Genome position (GRCh38, 1-based): chr9:104,793,291, C>T on the plus strand (G>A on the coding strand, the complement: ABCA1 is on the minus strand). VCF-style: chr9-104793291-C-T. GRCh37 (hg19) VCF-style: chr9-107555572-C-T.
Other names: short protein forms R1839H.
Identifiers: ClinVar variation 3366471 (VCV003366471.2).